The following is an entry in ClinVar:

NM_000051.4(ATM):c.901+3A>G

Gene: ATM (ATM serine/threonine kinase; plus strand). Cytogenetic location: 11q22.3.
Variant type: single nucleotide variant.
Coding change: c.901+3A>G on transcript NM_000051.4 (MANE Select); 3 bases into the intron after coding-DNA position 901, A replaced by G.
Molecular consequence: intron variant.
Genome position (GRCh38, 1-based): chr11:108,245,029, A>G. VCF-style: chr11-108245029-A-G. GRCh37 (hg19) VCF-style: chr11-108115756-A-G.
Other names: c.901+3A>G (NM_001351834.2).
Identifiers: ClinVar variation 1420954 (VCV001420954.6), dbSNP rs786203070, ClinGen allele CA2573146502.

ClinVar aggregate classification (germline): Uncertain significance (1 of 4 stars; one submission).

Conditions:
Ataxia-telangiectasia syndrome (AT). Also called: Ataxia telangiectasia (A-T); LOUIS-BAR SYNDROME; Cerebello-oculocutaneous telangiectasia; Immunodeficiency with ataxia telangiectasia; AT, COMPLEMENTATION GROUP C; Ataxia-telangiectasia, complementation group D. Identifiers: Orphanet 100, MedGen C0004135, MONDO:0008840, OMIM 208900.

Submission:

Labcorp Genetics (formerly Invitae), Labcorp
Classification: Uncertain significance for Ataxia-telangiectasia syndrome. Last evaluated: 2021-10-14. Review status: criteria provided, single submitter. Criteria: Invitae Variant Classification Sherloc (09022015). Collection method: clinical testing. Allele origin: germline.
Comment: In summary, the available evidence is currently insufficient to determine the role of this variant in disease. Therefore, it has been classified as a Variant of Uncertain Significance. Variants that disrupt the consensus splice site are a relatively common cause of aberrant splicing (PMID: 17576681, 9536098). Algorithms developed to predict the effect of sequence changes on RNA splicing suggest that this variant may disrupt the consensus splice site. This variant has not been reported in the literature in individuals affected with ATM-related conditions. This variant is not present in population databases (ExAC no frequency). This sequence change falls in intron 7 of the ATM gene. It does not directly change the encoded amino acid sequence of the ATM protein. It affects a nucleotide within the consensus splice site.

Literature cited by the submitters: PubMed 17576681; PubMed 9536098.